The following is an entry in ClinVar:

ClinVar aggregate classification (germline): Uncertain significance. Review status: criteria provided, multiple submitters, no conflicts (2 of 4 stars). 2 submissions from 2 submitters: Uncertain significance (2). Last evaluated 2025-08-14.

Conditions:
Long QT syndrome (LQTS). Identifiers: MedGen C0023976, MeSH D008133, MONDO:0002442. Disease mechanism: loss of function. Inheritance: Various modes of inheritance.

gnomAD v4.1: 5 of 1,614,140 alleles (0.00031%); highest among the groups gnomAD compares: Non-Finnish European, 0.00042%; no homozygotes.

Submissions (2):

Labcorp Genetics (formerly Invitae), Labcorp
Classification: Uncertain significance for Long QT syndrome. Last evaluated: 2025-08-14. Review status: criteria provided, single submitter. Criteria: Invitae Variant Classification Sherloc (09022015). Collection method: clinical testing. Allele origin: germline.
Comment: This sequence change replaces threonine, which is neutral and polar, with isoleucine, which is neutral and non-polar, at codon 344 of the CACNA1C protein (p.Thr344Ile). This variant is not present in population databases (gnomAD no frequency). This variant has not been reported in the literature in individuals affected with CACNA1C-related conditions. ClinVar contains an entry for this variant (Variation ID: 191419). Invitae Evidence Modeling of protein sequence and biophysical properties (such as structural, functional, and spatial information, amino acid conservation, physicochemical variation, residue mobility, and thermodynamic stability) indicates that this missense variant is not expected to disrupt CACNA1C protein function with a negative predictive value of 80%. In summary, the available evidence is currently insufficient to determine the role of this variant in disease. Therefore, it has been classified as a Variant of Uncertain Significance.

Biesecker Lab/Clinical Genomics Section, National Institutes of Health
Classification: Uncertain significance. Last evaluated: 2013-06-24. Review status: criteria provided, single submitter. Criteria: Ng et al. (Circ Cardiovasc Genet. 2013). Collection method: research. Allele origin: unknown. Observed: 1 variant allele. Study: ClinSeq.
Comment: The study set was not selected for affection status in relation to any cancer. Pathogenicity categories were based on literature curation. See Pubmed ID:23861362 for details.

Medical sequencing

NM_000719.7(CACNA1C):c.1031C>T (p.Thr344Ile)

Gene: CACNA1C (calcium voltage-gated channel subunit alpha1 C; plus strand). Cytogenetic location: 12p13.33.
Variant type: single nucleotide variant.
Coding change: c.1031C>T on transcript NM_000719.7 (MANE Select); coding-DNA position 1031, C replaced by T.
Protein change: p.Thr344Ile; replaces threonine 344 with isoleucine.
Molecular consequence: missense variant.
Genome position (GRCh38, 1-based): chr12:2,493,304, C>T. VCF-style: chr12-2493304-C-T. GRCh37 (hg19) VCF-style: chr12-2602470-C-T.
Other names: c.1031C>T, p.Thr344Ile (NM_001167625.2, NM_199460.4, NM_001129827.2 and 18 more transcripts); c.1022C>T, p.Thr341Ile (NM_001129844.2); short protein forms T344I, T341I.
Identifiers: ClinVar variation 191419 (VCV000191419.6), dbSNP rs200935321, ClinGen allele CA236585.